The following is an entry in ClinVar:

ClinVar aggregate classification (germline): Benign/Likely benign. Review status: criteria provided, multiple submitters, no conflicts (2 of 4 stars). 10 submissions from 10 submitters: Benign (5); Likely benign (2). 3 of the submissions do not count toward it. Last evaluated 2026-09-01.

Conditions:
SYNE2-related disorder. Also called: SYNE2-related condition.
Emery-Dreifuss muscular dystrophy 5, autosomal dominant (EDMD5). Also called: EMERY-DREIFUSS MUSCULAR DYSTROPHY 5. Identifiers: Orphanet 261, MedGen C2751805, MONDO:0013072, OMIM 612999.

Allele frequency attached by ClinVar (database versions not stated): 1000 Genomes Project 30x 0.00141; 1000 Genomes Project 0.00180; TOPMed 0.00319; gnomAD exomes 0.00399 and 0.00506; ExAC 0.00405; gnomAD 0.00448 and 0.00462; ESP Exome Variant Server 0.00471.
gnomAD v4.1: 8,001 of 1,614,160 alleles (0.5%); highest among the groups gnomAD compares: Non-Finnish European, 0.58%; 31 homozygotes.

Submissions (10):

CeGaT Center for Human Genetics Tuebingen
Classification: Likely benign. Last evaluated: 2026-09-01. Review status: criteria provided, single submitter. Criteria: CeGaT Center For Human Genetics Tuebingen Variant Classification Criteria Version 2. Collection method: clinical testing. Allele origin: germline. Affected: yes. Observed: 11 variant alleles.
Comment: SYNE2: BP4, BS2

Labcorp Genetics (formerly Invitae), Labcorp
Classification: Benign for Emery-Dreifuss muscular dystrophy 5, autosomal dominant. Last evaluated: 2026-01-27. Review status: criteria provided, single submitter. Criteria: Invitae Variant Classification Sherloc (09022015). Collection method: clinical testing. Allele origin: germline.

PreventionGenetics, part of Exact Sciences
Classification: Benign for SYNE2-related condition. Last evaluated: 2025-02-21. Review status: criteria provided, single submitter. Criteria: ACMG Guidelines, 2015. Collection method: clinical testing. Allele origin: germline.
Comment: This variant is classified as benign based on ACMG/AMP sequence variant interpretation guidelines (Richards et al. 2015 PMID: 25741868, with internal and published modifications).

Athena Diagnostics
Classification: Benign. Last evaluated: 2024-04-25. Review status: criteria provided, single submitter. Criteria: Athena Diagnostics Criteria. Collection method: clinical testing. Allele origin: unknown.

GeneDx
Classification: Likely benign. Last evaluated: 2019-02-03. Review status: criteria provided, single submitter. Criteria: GeneDx Variant Classification Process June 2021. Collection method: clinical testing. Allele origin: germline. Affected: yes.
Comment: See Variant Classification Assertion Criteria.

Illumina Laboratory Services, Illumina
Classification: Benign for Emery-Dreifuss muscular dystrophy 5, autosomal dominant. Last evaluated: 2018-01-13. Review status: criteria provided, single submitter. Criteria: ICSL Variant Classification Criteria 13 December 2019. Collection method: clinical testing. Allele origin: germline.
Comment: This variant was observed in the ICSL laboratory as part of a predisposition screen in an ostensibly healthy population. It had not been previously curated by ICSL or reported in the Human Gene Mutation Database (HGMD: prior to June 1st, 2018), and was therefore a candidate for classification through an automated scoring system. Utilizing variant allele frequency, disease prevalence and penetrance estimates, and inheritance mode, an automated score was calculated to assess if this variant is too frequent to cause the disease. Based on the score and internal cut-off values, a variant classified as benign is not then subjected to further curation. The score for this variant resulted in a classification of benign for this disease.

Eurofins Ntd Llc (ga)
Classification: Benign. Last evaluated: 2015-04-01. Review status: criteria provided, single submitter. Criteria: EGL Classification Definitions 2015. Collection method: clinical testing. Allele origin: germline. Observed: 2 variant alleles, 2 heterozygotes.

Clinical Genetics, Academic Medical Center
Classification: Benign. Review status: no assertion criteria provided. Collection method: clinical testing. Allele origin: germline. Affected: yes. Study: VKGL Data-share Consensus. Not counted in ClinVar's aggregate classification.

Genome Diagnostics Laboratory, University Medical Center Utrecht
Classification: Benign. Review status: no assertion criteria provided. Collection method: clinical testing. Allele origin: germline. Affected: yes. Study: VKGL Data-share Consensus. Not counted in ClinVar's aggregate classification.

Joint Genome Diagnostic Labs from Nijmegen and Maastricht, Radboudumc and MUMC+
Classification: Benign. Review status: no assertion criteria provided. Collection method: clinical testing. Allele origin: germline. Affected: yes. Study: VKGL Data-share Consensus. Not counted in ClinVar's aggregate classification.

Literature cited by the submitters: PubMed 27632638 (cited by Athena Diagnostics).

NM_182914.3(SYNE2):c.7162G>A (p.Glu2388Lys)

Gene: SYNE2 (spectrin repeat containing nuclear envelope protein 2; plus strand). Cytogenetic location: 14q23.2.
Variant type: single nucleotide variant.
Coding change: c.7162G>A on transcript NM_182914.3 (MANE Select); coding-DNA position 7162, G replaced by A.
Protein change: p.Glu2388Lys; replaces glutamic acid 2388 with lysine.
Molecular consequence: missense variant.
Genome position (GRCh38, 1-based): chr14:64,031,298, G>A. VCF-style: chr14-64031298-G-A. GRCh37 (hg19) VCF-style: chr14-64498016-G-A.
Other names: c.7162G>A, p.Glu2388Lys (NM_015180.6); short protein forms E2388K.
Identifiers: ClinVar variation 197536 (VCV000197536.51), dbSNP rs200842904, ClinGen allele CA202946.